The following is an entry in ClinVar:

ClinVar aggregate classification (germline): Uncertain significance. Review status: criteria provided, multiple submitters, no conflicts (2 of 4 stars). 2 submissions from 2 submitters: Uncertain significance (2). Last evaluated 2024-09-19.

Conditions:
Hypogonadotropic hypogonadism 5 with or without anosmia (KAL5). Also called: HYPOGONADOTROPIC HYPOGONADISM 5 WITH ANOSMIA; HYPOGONADOTROPHIC HYPOGONADISM 5 WITHOUT ANOSMIA; CHD7-Related GnRH Deficiency (Kallmann Syndrome 5). Identifiers: Orphanet 478, MedGen C3552553, MONDO:0012880, OMIM 612370. Disease mechanism: loss of function.
CHARGE syndrome (CHARGE). Also called: Hittner Hirsch Kreh syndrome; Coloboma, heart anomaly, choanal atresia, retardation, genital and ear anomalies; CHARGE association; Hall-Hittner syndrome; CHARGE ASSOCIATION--COLOBOMA, HEART ANOMALY, CHOANAL ATRESIA, RETARDATION, GENITAL AND EAR ANOMALIES. Identifiers: Orphanet 138, MedGen C0265354, MONDO:0008965.

Allele frequency attached by ClinVar (database versions not stated): gnomAD exomes below 0.00001; TOPMed below 0.00001; gnomAD 0.00001.
gnomAD v4.1: 4 of 1,611,608 alleles (0.00025%); highest among the groups gnomAD compares: Non-Finnish European, 0.00017%; no homozygotes.

Submissions (2):

Labcorp Genetics (formerly Invitae), Labcorp
Classification: Uncertain significance for CHARGE syndrome. Last evaluated: 2024-09-19. Review status: criteria provided, single submitter. Criteria: Invitae Variant Classification Sherloc (09022015). Collection method: clinical testing. Allele origin: germline.
Comment: This sequence change replaces tyrosine, which is neutral and polar, with cysteine, which is neutral and slightly polar, at codon 1616 of the CHD7 protein (p.Tyr1616Cys). This variant is not present in population databases (gnomAD no frequency). This missense change has been observed in individual(s) with clinical features of CHD7-related conditions (PMID: 23533228, 25472840, 29419413). ClinVar contains an entry for this variant (Variation ID: 1028057). Invitae Evidence Modeling of protein sequence and biophysical properties (such as structural, functional, and spatial information, amino acid conservation, physicochemical variation, residue mobility, and thermodynamic stability) indicates that this missense variant is expected to disrupt CHD7 protein function with a positive predictive value of 95%. Experimental studies have shown that this missense change does not substantially affect CHD7 function (PMID: 25472840). In summary, the available evidence is currently insufficient to determine the role of this variant in disease. Therefore, it has been classified as a Variant of Uncertain Significance.

Baylor Genetics
Classification: Uncertain significance for Hypogonadotropic hypogonadism 5 with or without anosmia. Last evaluated: 2019-11-15. Review status: criteria provided, single submitter. Criteria: ACMG Guidelines, 2015. Collection method: clinical testing. Allele origin: unknown. Affected: yes.
Comment: This variant was determined to be of uncertain significance according to ACMG Guidelines, 2015 [PMID:25741868].

Literature cited by the submitters: PubMed 23533228 (cited by Labcorp Genetics (formerly Invitae), Labcorp); PubMed 25472840 (cited by Labcorp Genetics (formerly Invitae), Labcorp); PubMed 29419413 (cited by Labcorp Genetics (formerly Invitae), Labcorp).

NM_017780.4(CHD7):c.4847A>G (p.Tyr1616Cys)

Gene: CHD7 (chromodomain helicase DNA binding protein 7; plus strand). Cytogenetic location: 8q12.2.
Variant type: single nucleotide variant.
Coding change: c.4847A>G on transcript NM_017780.4 (MANE Select); coding-DNA position 4847, A replaced by G.
Protein change: p.Tyr1616Cys; replaces tyrosine 1616 with cysteine.
Molecular consequence: missense variant. On other transcripts: intron variant (1).
Genome position (GRCh38, 1-based): chr8:60,842,049, A>G. VCF-style: chr8-60842049-A-G. GRCh37 (hg19) VCF-style: chr8-61754608-A-G.
Other names: c.1717-20180A>G (NM_001316690.1); short protein forms Y1616C.
Identifiers: ClinVar variation 1028057 (VCV001028057.5), dbSNP rs200964201, ClinGen allele CA177350049.
Genomic context (GRCh38, chr8:60,842,049, plus strand): 5'-ATAAGTCACAGGGCTATGCAAGGAGTGAATGTTTCAGGGTGGAGAAGAATCTGCTTGTCT[A>G]TGGGTAAGTAGGACTCACTACGTAAGATAGAATTTTATTGTAACAGTAGTTAGAATTCCC-3'
Protein context (NP_060250.2, residues 1606-1626): CFRVEKNLLV[Tyr1616Cys]GWGRWTDILS